The following is an entry in ClinVar:

ClinVar aggregate classification (germline): Uncertain significance (1 of 4 stars; one submission).

Conditions:
Long QT syndrome (LQTS). Identifiers: MedGen C0023976, MeSH D008133, MONDO:0002442. Disease mechanism: loss of function. Inheritance: Various modes of inheritance.

Submission:

Labcorp Genetics (formerly Invitae), Labcorp
Classification: Uncertain significance for Long QT syndrome. Last evaluated: 2023-12-14. Review status: criteria provided, single submitter. Criteria: Invitae Variant Classification Sherloc (09022015). Collection method: clinical testing. Allele origin: germline.
Comment: This sequence change affects codon 1292 of the CACNA1C mRNA. It is a 'silent' change, meaning that it does not change the encoded amino acid sequence of the CACNA1C protein. This variant is not present in population databases (gnomAD no frequency). This variant has not been reported in the literature in individuals affected with CACNA1C-related conditions. Algorithms developed to predict the effect of sequence changes on RNA splicing suggest that this variant may disrupt the consensus splice site. In summary, the available evidence is currently insufficient to determine the role of this variant in disease. Therefore, it has been classified as a Variant of Uncertain Significance.

NM_000719.7(CACNA1C):c.3876G>A (p.Val1292=)

Gene: CACNA1C (calcium voltage-gated channel subunit alpha1 C; plus strand). Cytogenetic location: 12p13.33.
Variant type: single nucleotide variant.
Coding change: c.3876G>A on transcript NM_000719.7 (MANE Select); coding-DNA position 3876, G replaced by A.
Protein change: p.Val1292=; no amino-acid change (valine 1292 retained).
Molecular consequence: synonymous variant. On other transcripts: intron variant (6).
Genome position (GRCh38, 1-based): chr12:2,634,344, G>A. VCF-style: chr12-2634344-G-A. GRCh37 (hg19) VCF-style: chr12-2743510-G-A.
Other names: c.4020G>A, p.Val1340= (NM_001129827.2, NM_199460.4); c.3876G>A, p.Val1292= (NM_001129829.2, NM_001129830.3, NM_001129834.2 and 8 more transcripts); c.3960G>A, p.Val1320= (NM_001129831.2, NM_001129836.2); c.3936G>A, p.Val1312= (NM_001129832.2); c.3912+632G>A (NM_001167624.3, NM_001167623.2, NM_001129833.2 and 2 more transcripts); c.3903+632G>A (NM_001129844.2).
Identifiers: ClinVar variation 2873644 (VCV002873644.3), dbSNP rs2524411251, ClinGen allele CA477910524.